The following is an entry in ClinVar:

NM_001267550.2(TTN):c.25758C>T (p.Asp8586=)

Gene: TTN (titin; minus strand). Cytogenetic location: 2q31.2.
Variant type: single nucleotide variant.
Coding change: c.25758C>T on transcript NM_001267550.2 (MANE Select); coding-DNA position 25758, C replaced by T.
Protein change: p.Asp8586=; no amino-acid change (aspartic acid 8586 retained).
Molecular consequence: synonymous variant. On other transcripts: intron variant (3).
Genome position (GRCh38, 1-based): chr2:178,715,656, G>A on the plus strand (C>T on the coding strand, the complement: TTN is on the minus strand). VCF-style: chr2-178715656-G-A. GRCh37 (hg19) VCF-style: chr2-179580383-G-A.
Other names: c.24807C>T, p.Asp8269= (NM_001256850.1); c.22026C>T, p.Asp7342= (NM_133378.4); c.13282+22426C>T (NM_003319.4); c.13858+22426C>T (NM_133437.4); c.13657+22426C>T (NM_133432.3).
Identifiers: ClinVar variation 46768 (VCV000046768.52), dbSNP rs372802604, ClinGen allele CA139158.

ClinVar aggregate classification (germline): Conflicting classifications of pathogenicity. Review status: criteria provided, conflicting classifications (1 of 4 stars). 13 submissions from 9 submitters: Uncertain significance (3); Benign (3); Likely benign (7). Last evaluated 2026-08-01.

Conditions:
TTN-related disorder. Also called: TTN-related disorders; TTN-related condition; TTN-related disease.
Autosomal recessive limb-girdle muscular dystrophy type 2J (LGMDR10). Also called: MUSCULAR DYSTROPHY, LIMB-GIRDLE, AUTOSOMAL RECESSIVE 10; Limb-girdle muscular dystrophy, type 2J. Identifiers: Orphanet 140922, MedGen C1837342, MONDO:0012127, OMIM 608807.
Dilated cardiomyopathy 1G (CMD1G). Identifiers: Orphanet 154, MedGen C1858763, MONDO:0011400, OMIM 604145.
Cardiomyopathy (CMYO). Also called: Cardiomyopathies. Identifiers: Orphanet 167848, MedGen C0878544, MONDO:0004994, HP:0001638. Inheritance: Various modes of inheritance.
Early-onset myopathy with fatal cardiomyopathy (CMYO5). Also called: CONGENITAL MYOPATHY 5 WITH CARDIOMYOPATHY; Salih Myopathy. Identifiers: Orphanet 289377, MedGen C2673677, MONDO:0012714, OMIM 611705. Disease mechanism: loss of function.
Myopathy, myofibrillar, 9, with early respiratory failure (MFM9). Also called: Myopathy, distal, with early respiratory failure, autosomal dominant; Hereditary myopathy with early respiratory failure; EDSTROM MYOPATHY; MYOPATHY, PROXIMAL, WITH EARLY RESPIRATORY MUSCLE INVOLVEMENT. Identifiers: Orphanet 178464, Orphanet 34521, MedGen C1863599, MONDO:0011362, OMIM 603689.
Tibial muscular dystrophy (TMD). Also called: Tibial muscular dystrophy, tardive; Udd Distal Myopathy – Tibial Muscular Dystrophy; UDD MYOPATHY. Identifiers: Orphanet 609, MedGen C1838244, MONDO:0010870, OMIM 600334.

Allele frequency attached by ClinVar (database versions not stated): gnomAD exomes 0.00010 and 0.00024; TOPMed 0.00012; gnomAD 0.00013 and 0.00014; ExAC 0.00023; ESP Exome Variant Server 0.00008.
gnomAD v4.1: 170 of 1,612,872 alleles (0.011%); highest among the groups gnomAD compares: East Asian, 0.054%; no homozygotes.

Submissions (13):

CeGaT Center for Human Genetics Tuebingen
Classification: Likely benign. Last evaluated: 2026-08-01. Review status: criteria provided, single submitter. Criteria: CeGaT Center For Human Genetics Tuebingen Variant Classification Criteria Version 2. Collection method: clinical testing. Allele origin: germline. Affected: yes. Observed: 11 variant alleles.
Comment: TTN: BP4, BP7

Labcorp Genetics (formerly Invitae), Labcorp
Classification: Likely benign for Dilated cardiomyopathy 1G; Autosomal recessive limb-girdle muscular dystrophy type 2J. Last evaluated: 2026-01-12. Review status: criteria provided, single submitter. Criteria: Invitae Variant Classification Sherloc (09022015). Collection method: clinical testing. Allele origin: germline.

PreventionGenetics, part of Exact Sciences
Classification: Likely benign for TTN-related condition. Last evaluated: 2025-04-16. Review status: criteria provided, single submitter. Criteria: ACMG Guidelines, 2015. Collection method: clinical testing. Allele origin: germline.
Comment: This variant is classified as likely benign based on ACMG/AMP sequence variant interpretation guidelines (Richards et al. 2015 PMID: 25741868, with internal and published modifications).

CHEO Genetics Diagnostic Laboratory, Children's Hospital of Eastern Ontario
Classification: Likely benign for Cardiomyopathy. Last evaluated: 2023-05-16. Review status: criteria provided, single submitter. Criteria: ACMG Guidelines, 2015. Collection method: clinical testing. Allele origin: germline.

GeneDx
Classification: Likely benign. Last evaluated: 2020-09-04. Review status: criteria provided, single submitter. Criteria: GeneDx Variant Classification Process June 2021. Collection method: clinical testing. Allele origin: germline. Affected: yes.
Comment: This variant is associated with the following publications: (PMID: 24503780)

Blueprint Genetics
Classification: Likely benign. Last evaluated: 2019-01-03. Review status: criteria provided, single submitter. Criteria: ACMG Guidelines, 2015. Collection method: clinical testing. Allele origin: germline.

Illumina Laboratory Services, Illumina
Classification: Benign for Myopathy, myofibrillar, 9, with early respiratory failure. Last evaluated: 2018-01-13. Review status: criteria provided, single submitter. Criteria: ICSL Variant Classification Criteria 13 December 2019. Collection method: clinical testing. Allele origin: germline.
Comment: This variant was observed in the ICSL laboratory as part of a predisposition screen in an ostensibly healthy population. It had not been previously curated by ICSL or reported in the Human Gene Mutation Database (HGMD: prior to June 1st, 2018), and was therefore a candidate for classification through an automated scoring system. Utilizing variant allele frequency, disease prevalence and penetrance estimates, and inheritance mode, an automated score was calculated to assess if this variant is too frequent to cause the disease. Based on the score and internal cut-off values, a variant classified as benign is not then subjected to further curation. The score for this variant resulted in a classification of benign for this disease.

Illumina Laboratory Services, Illumina
Classification: Uncertain significance for Autosomal recessive limb-girdle muscular dystrophy type 2J. Last evaluated: 2018-01-13. Review status: criteria provided, single submitter. Criteria: ICSL Variant Classification Criteria 13 December 2019. Collection method: clinical testing. Allele origin: germline.

Illumina Laboratory Services, Illumina
Classification: Benign for Tibial muscular dystrophy. Last evaluated: 2018-01-13. Review status: criteria provided, single submitter. Criteria: ICSL Variant Classification Criteria 13 December 2019. Collection method: clinical testing. Allele origin: germline.
Comment: the same text as in the submission from Illumina Laboratory Services, Illumina above.

Illumina Laboratory Services, Illumina
Classification: Uncertain significance for Early-onset myopathy with fatal cardiomyopathy. Last evaluated: 2018-01-13. Review status: criteria provided, single submitter. Criteria: ICSL Variant Classification Criteria 13 December 2019. Collection method: clinical testing. Allele origin: germline.

Illumina Laboratory Services, Illumina
Classification: Uncertain significance for Dilated cardiomyopathy 1G. Last evaluated: 2018-01-13. Review status: criteria provided, single submitter. Criteria: ICSL Variant Classification Criteria 13 December 2019. Collection method: clinical testing. Allele origin: germline.

Athena Diagnostics
Classification: Benign. Last evaluated: 2017-02-07. Review status: criteria provided, single submitter. Criteria: Athena Diagnostics Criteria. Collection method: clinical testing. Allele origin: germline.

Laboratory for Molecular Medicine, Mass General Brigham Personalized Medicine
Classification: Likely benign. Last evaluated: 2011-12-23. Review status: criteria provided, single submitter. Criteria: LMM Criteria. Collection method: clinical testing. Allele origin: germline. Observed: 1 variant allele.
Comment: Asp7342Asp in exon 86 of TTN: This variant is not expected to have clinical sign ificance because it does not alter an amino acid residue and is not located with in the splice consensus sequence. In additino, it has been identified in 1/6684 European American chromosomes by the NHBLI Exome sequencing project in a broad c linical cohort. Asp7342Asp in exon 86 of TTN (NHBLI Exome Seq Project; 1/6684)

Literature cited by the submitters: PubMed 24503780 (cited by Athena Diagnostics).